The following is an entry in ClinVar:

NM_005853.6(IRX5):c.1183G>A (p.Gly395Arg)

Gene: IRX5 (iroquois homeobox 5; plus strand). Cytogenetic location: 16q12.2.
Variant type: single nucleotide variant.
Coding change: c.1183G>A on transcript NM_005853.6 (MANE Select); coding-DNA position 1183, G replaced by A.
Protein change: p.Gly395Arg; replaces glycine 395 with arginine.
Molecular consequence: missense variant.
Genome position (GRCh38, 1-based): chr16:54,933,604, G>A. VCF-style: chr16-54933604-G-A. GRCh37 (hg19) VCF-style: chr16-54967516-G-A.
Other names: c.1180G>A, p.Gly394Arg (NM_001252197.1); short protein forms G395R, G394R.
Identifiers: ClinVar variation 1920971 (VCV001920971.5), dbSNP rs370331090, ClinGen allele CA8059346.

ClinVar aggregate classification (germline): Uncertain significance (1 of 4 stars; one submission).

Allele frequency attached by ClinVar (database versions not stated): TOPMed below 0.00001; ExAC 0.00001; gnomAD 0.00001; gnomAD exomes 0.00001; ESP Exome Variant Server 0.00008.
gnomAD v4.1: 6 of 1,610,412 alleles (0.00037%); highest among the groups gnomAD compares: Admixed American, 0.0017%; no homozygotes.

Submission:

Labcorp Genetics (formerly Invitae), Labcorp
Classification: Uncertain significance. Last evaluated: 2024-02-24. Review status: criteria provided, single submitter. Criteria: Invitae Variant Classification Sherloc (09022015). Collection method: clinical testing. Allele origin: germline.
Comment: This sequence change replaces glycine, which is neutral and non-polar, with arginine, which is basic and polar, at codon 395 of the IRX5 protein (p.Gly395Arg). The frequency data for this variant in the population databases is considered unreliable, as metrics indicate poor data quality at this position in the gnomAD database. This variant has not been reported in the literature in individuals affected with IRX5-related conditions. ClinVar contains an entry for this variant (Variation ID: 1920971). Advanced modeling of protein sequence and biophysical properties (such as structural, functional, and spatial information, amino acid conservation, physicochemical variation, residue mobility, and thermodynamic stability) has been performed at Invitae for this missense variant, however the output from this modeling did not meet the statistical confidence thresholds required to predict the impact of this variant on IRX5 protein function. In summary, the available evidence is currently insufficient to determine the role of this variant in disease. Therefore, it has been classified as a Variant of Uncertain Significance.